The following is an entry in ClinVar:

ClinVar aggregate classification (germline): Uncertain significance. Review status: criteria provided, multiple submitters, no conflicts (2 of 4 stars). 2 submissions from 2 submitters: Uncertain significance (2). Last evaluated 2024-10-28.

Allele frequency attached by ClinVar (database versions not stated): TOPMed below 0.00001; gnomAD 0.00001; ESP Exome Variant Server 0.00008.
gnomAD v4.1: 18 of 1,613,894 alleles (0.0011%); highest among the groups gnomAD compares: Middle Eastern, 0.016%; no homozygotes.

Submissions (2):

GeneDx
Classification: Uncertain significance. Last evaluated: 2024-10-28. Review status: criteria provided, single submitter. Criteria: GeneDx Variant Classification Process June 2021. Collection method: clinical testing. Allele origin: germline. Affected: yes.
Comment: Not observed at significant frequency in large population cohorts (gnomAD); In silico analysis supports that this missense variant has a deleterious effect on protein structure/function; Has not been previously published as pathogenic or benign to our knowledge

Labcorp Genetics (formerly Invitae), Labcorp
Classification: Uncertain significance. Last evaluated: 2022-02-10. Review status: criteria provided, single submitter. Criteria: Invitae Variant Classification Sherloc (09022015). Collection method: clinical testing. Allele origin: germline.
Comment: This sequence change replaces aspartic acid, which is acidic and polar, with asparagine, which is neutral and polar, at codon 492 of the WHRN protein (p.Asp492Asn). This variant is present in population databases (rs375229693, gnomAD 0.003%). This variant has not been reported in the literature in individuals affected with WHRN-related conditions. ClinVar contains an entry for this variant (Variation ID: 1019500). Algorithms developed to predict the effect of missense changes on protein structure and function are either unavailable or do not agree on the potential impact of this missense change (SIFT: "Deleterious"; PolyPhen-2: "Benign"; Align-GVGD: "Class C15"). In summary, the available evidence is currently insufficient to determine the role of this variant in disease. Therefore, it has been classified as a Variant of Uncertain Significance.

NM_015404.4(WHRN):c.1474G>A (p.Asp492Asn)

Gene: WHRN (whirlin; minus strand). Cytogenetic location: 9q32.
Variant type: single nucleotide variant.
Coding change: c.1474G>A on transcript NM_015404.4 (MANE Select); coding-DNA position 1474, G replaced by A.
Protein change: p.Asp492Asn; replaces aspartic acid 492 with asparagine.
Molecular consequence: missense variant.
Genome position (GRCh38, 1-based): chr9:114,423,466, C>T on the plus strand (G>A on the coding strand, the complement: WHRN is on the minus strand). VCF-style: chr9-114423466-C-T. GRCh37 (hg19) VCF-style: chr9-117185746-C-T.
Other names: c.325G>A, p.Asp109Asn (NM_001083885.3); c.1474G>A, p.Asp492Asn (NM_001173425.2); c.421G>A, p.Asp141Asn (NM_001346890.1); c.1474G>A (NM_015404.2); short protein forms D109N, D141N, D492N.
Identifiers: ClinVar variation 1019500 (VCV001019500.7), dbSNP rs375229693, ClinGen allele CA5205938.
Genomic context (GRCh38, chr9:114,423,466, plus strand): 5'-CGGGGCCTGGGGGCTGCCGCGCCTTCATGGACTCAATCTCACGCCTCAGCACCAGGTGGT[C>T]GAAGCGTTCTAGGTCTTGCGGGGAAATGGTGCCTCTCACCTCAGAGAGGAGTGAGAACTG-3'
Protein context (NP_056219.3, residues 482-502): TISPQDLERF[Asp492Asn]HLVLRREIES